The following is an entry in ClinVar:

NM_001378615.1(CC2D2A):c.1190C>T (p.Ser397Phe)

Genes: CC2D2A (coiled-coil and C2 domain containing 2A; plus strand), FBXL5 (F-box and leucine rich repeat protein 5; minus strand). Cytogenetic location: 4p15.32.
Variant type: single nucleotide variant.
Coding change: c.1190C>T on transcript NM_001378615.1 (MANE Select); coding-DNA position 1190, C replaced by T.
Protein change: p.Ser397Phe; replaces serine 397 with phenylalanine.
Molecular consequence: missense variant.
Genome position (GRCh38, 1-based): chr4:15,527,487, C>T. VCF-style: chr4-15527487-C-T. GRCh37 (hg19) VCF-style: chr4-15529110-C-T.
Other names: c.1190C>T, p.Ser397Phe (NM_001080522.2); c.1043C>T, p.Ser348Phe (NM_001378617.1); short protein forms S348F, S397F.
Identifiers: ClinVar variation 1716178 (VCV001716178.4), dbSNP rs1318226093, ClinGen allele CA356410196.

ClinVar aggregate classification (germline): Uncertain significance. Review status: criteria provided, multiple submitters, no conflicts (2 of 4 stars). 2 submissions from 2 submitters: Uncertain significance (2). Last evaluated 2025-08-22.

Conditions:
Meckel-Gruber syndrome. Also called: DYSENCEPHALIA SPLANCHNOCYSTICA; GRUBER SYNDROME; Dysencephalia splachnocystica. Identifiers: Orphanet 564, MedGen C0265215, MONDO:0018921.
Joubert syndrome. Also called: JOUBERT-BOLTSHAUSER SYNDROME; Familial aplasia of the vermis. Identifiers: Orphanet 475, MedGen C5979921, MONDO:0018772.

Allele frequency attached by ClinVar (database versions not stated): gnomAD exomes below 0.00001.
gnomAD v4.1: 1 of 1,613,636 alleles (0.000062%); highest among the groups gnomAD compares: Admixed American, 0.0017%; no homozygotes.

Submissions (2):

GeneDx
Classification: Uncertain significance. Last evaluated: 2025-08-22. Review status: criteria provided, single submitter. Criteria: GeneDx Variant Classification Process June 2021. Collection method: clinical testing. Allele origin: germline. Affected: yes.
Comment: Not observed at significant frequency in large population cohorts (gnomAD); In silico analysis supports that this missense variant has a deleterious effect on protein structure/function; Has not been previously published as pathogenic or benign to our knowledge

Labcorp Genetics (formerly Invitae), Labcorp
Classification: Uncertain significance for Joubert syndrome; Meckel-Gruber syndrome. Last evaluated: 2022-08-12. Review status: criteria provided, single submitter. Criteria: Invitae Variant Classification Sherloc (09022015). Collection method: clinical testing. Allele origin: germline.
Comment: This sequence change replaces serine, which is neutral and polar, with phenylalanine, which is neutral and non-polar, at codon 397 of the CC2D2A protein (p.Ser397Phe). This variant is present in population databases (no rsID available, gnomAD 0.003%). This variant has not been reported in the literature in individuals affected with CC2D2A-related conditions. Advanced modeling of protein sequence and biophysical properties (such as structural, functional, and spatial information, amino acid conservation, physicochemical variation, residue mobility, and thermodynamic stability) performed at Invitae indicates that this missense variant is not expected to disrupt CC2D2A protein function. In summary, the available evidence is currently insufficient to determine the role of this variant in disease. Therefore, it has been classified as a Variant of Uncertain Significance.